The following is an entry in ClinVar:

ClinVar aggregate classification (germline): Uncertain significance (1 of 4 stars; one submission).

Conditions:
Multiple endocrine neoplasia, type 1 (MEN1). Also called: MEA I; MEN I; WERMER SYNDROME; Endocrine adenomatosis multiple; MEN 1. Identifiers: Orphanet 652, MedGen C0025267, MeSH D018761, MONDO:0007540, OMIM 131100.

Submission:

Labcorp Genetics (formerly Invitae), Labcorp
Classification: Uncertain significance for Multiple endocrine neoplasia, type 1. Last evaluated: 2023-10-17. Review status: criteria provided, single submitter. Criteria: Invitae Variant Classification Sherloc (09022015). Collection method: clinical testing. Allele origin: germline.
Comment: This sequence change replaces isoleucine, which is neutral and non-polar, with phenylalanine, which is neutral and non-polar, at codon 16 of the MEN1 protein (p.Ile16Phe). This variant is not present in population databases (gnomAD no frequency). This variant has not been reported in the literature in individuals affected with MEN1-related conditions. Advanced modeling of protein sequence and biophysical properties (such as structural, functional, and spatial information, amino acid conservation, physicochemical variation, residue mobility, and thermodynamic stability) performed at Invitae indicates that this missense variant is expected to disrupt MEN1 protein function. In summary, the available evidence is currently insufficient to determine the role of this variant in disease. Therefore, it has been classified as a Variant of Uncertain Significance.

NM_001370259.2(MEN1):c.46A>T (p.Ile16Phe)

Gene: MEN1 (menin 1; minus strand). Cytogenetic location: 11q13.1.
Variant type: single nucleotide variant.
Coding change: c.46A>T on transcript NM_001370259.2 (MANE Select); coding-DNA position 46, A replaced by T.
Protein change: p.Ile16Phe; replaces isoleucine 16 with phenylalanine.
Molecular consequence: missense variant. On other transcripts: non-coding transcript variant (4).
Genome position (GRCh38, 1-based): chr11:64,810,064, T>A on the plus strand (A>T on the coding strand, the complement: MEN1 is on the minus strand). VCF-style: chr11-64810064-T-A. GRCh37 (hg19) VCF-style: chr11-64577536-T-A.
Other names: c.46A>T, p.Ile16Phe (NM_000244.4, NM_001370251.2, NM_001370260.2 and 20 more transcripts); short protein forms I16F.
Identifiers: ClinVar variation 2769307 (VCV002769307.3), dbSNP rs2497289262, ClinGen allele CA381188183.